The following is an entry in ClinVar:

NM_001136472.2(LITAF):c.27G>A (p.Ala9=)

Gene: LITAF (lipopolysaccharide induced TNF factor; minus strand). Cytogenetic location: 16p13.13.
Variant type: single nucleotide variant.
Coding change: c.27G>A on transcript NM_001136472.2 (MANE Select); coding-DNA position 27, G replaced by A.
Protein change: p.Ala9=; no amino-acid change (alanine 9 retained).
Molecular consequence: synonymous variant. On other transcripts: non-coding transcript variant (1).
Genome position (GRCh38, 1-based): chr16:11,556,704, C>T on the plus strand (G>A on the coding strand, the complement: LITAF is on the minus strand). VCF-style: chr16-11556704-C-T. GRCh37 (hg19) VCF-style: chr16-11650560-C-T.
Other names: c.27G>A, p.Ala9= (NM_001136473.1, NM_004862.4).
Identifiers: ClinVar variation 532706 (VCV000532706.20), dbSNP rs149518815, ClinGen allele CA7904198.

ClinVar aggregate classification (germline): Benign/Likely benign. Review status: criteria provided, multiple submitters, no conflicts (2 of 4 stars). 6 submissions from 6 submitters: Benign (2); Likely benign (4). Last evaluated 2026-01-01.

Conditions:
Charcot-Marie-Tooth disease type 1C. Also called: CHARCOT-MARIE-TOOTH DISEASE, DEMYELINATING, TYPE 1C; HMSN IC; CHARCOT-MARIE-TOOTH NEUROPATHY, TYPE 1C; NEUROPATHY, HEREDITARY MOTOR AND SENSORY, TYPE IC; Charcot-Marie-Tooth disease, type IC; CMT, SLOW NERVE CONDUCTION TYPE C. Identifiers: Orphanet 101083, MedGen C0270913, MONDO:0010995, OMIM 601098.
Inborn genetic diseases. Identifiers: MedGen C0950123, MeSH D030342.

Allele frequency attached by ClinVar (database versions not stated): TOPMed 0.00006; gnomAD 0.00007 and 0.00008; gnomAD exomes 0.00013; ExAC 0.00021; ESP Exome Variant Server 0.00031.
gnomAD v4.1: 152 of 1,614,020 alleles (0.0094%); highest among the groups gnomAD compares: East Asian, 0.011%; 1 homozygote.

Submissions (6):

CeGaT Center for Human Genetics Tuebingen
Classification: Likely benign. Last evaluated: 2026-01-01. Review status: criteria provided, single submitter. Criteria: CeGaT Center For Human Genetics Tuebingen Variant Classification Criteria Version 2. Collection method: clinical testing. Allele origin: germline. Affected: yes. Observed: 1 variant allele.
Comment: LITAF: BP4, BP7

Women's Health and Genetics/Laboratory Corporation of America, LabCorp
Classification: Benign. Last evaluated: 2025-12-03. Review status: criteria provided, single submitter. Criteria: LabCorp Variant Classification Summary - May 2015. Collection method: clinical testing. Allele origin: germline.

Labcorp Genetics (formerly Invitae), Labcorp
Classification: Likely benign for Charcot-Marie-Tooth disease type 1C. Last evaluated: 2024-10-24. Review status: criteria provided, single submitter. Criteria: Invitae Variant Classification Sherloc (09022015). Collection method: clinical testing. Allele origin: germline.

Ambry Genetics
Classification: Likely benign for Inborn genetic diseases. Last evaluated: 2019-07-11. Review status: criteria provided, single submitter. Criteria: Ambry Variant Classification Scheme 2023. Collection method: clinical testing. Allele origin: germline.

Athena Diagnostics
Classification: Benign. Last evaluated: 2018-05-02. Review status: criteria provided, single submitter. Criteria: Athena Diagnostics Criteria. Collection method: clinical testing. Allele origin: germline.

GeneDx
Classification: Likely benign. Last evaluated: 2018-04-18. Review status: criteria provided, single submitter. Criteria: GeneDx Variant Classification (06012015). Collection method: clinical testing. Allele origin: germline. Affected: yes.
Comment: This variant is considered likely benign or benign based on one or more of the following criteria: it is a conservative change, it occurs at a poorly conserved position in the protein, it is predicted to be benign by multiple in silico algorithms, and/or has population frequency not consistent with disease.